The following is an entry in ClinVar:

ClinVar aggregate classification (germline): Uncertain significance (1 of 4 stars; one submission).

Conditions:
Hereditary cancer-predisposing syndrome. Also called: Neoplastic Syndromes, Hereditary; Tumor predisposition; Hereditary neoplastic syndrome; Hereditary Cancer Syndrome. Identifiers: Orphanet 140162, MedGen C0027672, MeSH D009386, MONDO:0015356.

Submission:

Ambry Genetics
Classification: Uncertain significance for Hereditary cancer-predisposing syndrome. Last evaluated: 2025-08-20. Review status: criteria provided, single submitter. Criteria: Ambry Variant Classification Scheme 2023. Collection method: clinical testing. Allele origin: germline.
Comment: The p.T2776N variant (also known as c.8327C>A), located in coding exon 15 of the APC gene, results from a C to A substitution at nucleotide position 8327. The threonine at codon 2776 is replaced by asparagine, an amino acid with similar properties. This amino acid position is conserved. In addition, in silico predictors for this gene do not accurately predict pathogenicity. Missense alterations in APC are not a common cause of disease (Spier I et al. Genet Med. 2024 Feb;26(2):100992). Based on the available evidence, the clinical significance of this variant remains unclear.

NM_000038.6(APC):c.8327C>A (p.Thr2776Asn)

Gene: APC (APC regulator of Wnt signaling pathway; plus strand). Cytogenetic location: 5q22.2.
Variant type: single nucleotide variant.
Coding change: c.8327C>A on transcript NM_000038.6 (MANE Select); coding-DNA position 8327, C replaced by A.
Protein change: p.Thr2776Asn; replaces threonine 2776 with asparagine.
Molecular consequence: missense variant. On other transcripts: non-coding transcript variant (2).
Genome position (GRCh38, 1-based): chr5:112,843,921, C>A. VCF-style: chr5-112843921-C-A. GRCh37 (hg19) VCF-style: chr5-112179618-C-A.
Other names: c.8078C>A, p.Thr2693Asn (NM_001407456.1, NM_001407457.1, NM_001407454.1 and 1 more transcripts); c.8024C>A, p.Thr2675Asn (NM_001407458.1, NM_001407459.1, NM_001407460.1 and 1 more transcripts); c.7940C>A, p.Thr2647Asn (NM_001407467.1, NM_001407469.1); c.7478C>A, p.Thr2493Asn (NM_001407470.1, NM_001354906.2); c.7175C>A, p.Thr2392Asn (NM_001407471.1, NM_001407472.1); c.8327C>A, p.Thr2776Asn (NM_001127510.3, NM_001354895.2, NM_001407450.1); c.8273C>A, p.Thr2758Asn (NM_001127511.3); c.8381C>A, p.Thr2794Asn (NM_001354896.2, NM_001407447.1, NM_001407448.1 and 1 more transcripts); and 11 more; short protein forms T2392N, T2650N, T2693N, T2717N, T2769N, T2786N, T2794N, T2493N.
Identifiers: ClinVar variation 2452686 (VCV002452686.3), dbSNP rs2150003318, ClinGen allele CA16039401.